The following is an entry in ClinVar:

NM_001114086.2(CLIC5):c.290G>A (p.Gly97Asp)

Gene: CLIC5 (CLIC family member 5; minus strand). Cytogenetic location: 6p21.1.
Variant type: single nucleotide variant.
Coding change: c.290G>A on transcript NM_001114086.2; coding-DNA position 290, G replaced by A.
Protein change: p.Gly97Asp; replaces glycine 97 with aspartic acid.
Molecular consequence: missense variant. On other transcripts: intron variant (1).
Genome position (GRCh38, 1-based): chr6:46,079,953, C>T on the plus strand (G>A on the coding strand, the complement: CLIC5 is on the minus strand). VCF-style: chr6-46079953-C-T. GRCh37 (hg19) VCF-style: chr6-46047690-C-T.
Other names: c.290G>A, p.Gly97Asp (NM_001370650.1); c.-55+49551G>A (NM_001370649.1); short protein forms G97D.
Identifiers: ClinVar variation 1317623 (VCV001317623.12), dbSNP rs574705853, ClinGen allele CA3836986.

ClinVar aggregate classification (germline): Likely benign. Review status: criteria provided, multiple submitters, no conflicts (2 of 4 stars). 3 submissions from 3 submitters: Likely benign (2). 1 of the submissions does not count toward it. Last evaluated 2025-11-24.

Conditions:
CLIC5-related disorder. Also called: CLIC5-related condition.

Allele frequency attached by ClinVar (database versions not stated): gnomAD exomes 0.00006 and 0.00016; ExAC 0.00018; 1000 Genomes Project 0.00080; gnomAD 0.00093 and 0.00102; 1000 Genomes Project 30x 0.00094; TOPMed 0.00109.
gnomAD v4.1: 243 of 1,551,654 alleles (0.016%); highest among the groups gnomAD compares: African/African-American, 0.28%; 2 homozygotes.

Submissions (3):

Labcorp Genetics (formerly Invitae), Labcorp
Classification: Likely benign. Last evaluated: 2025-11-24. Review status: criteria provided, single submitter. Criteria: Invitae Variant Classification Sherloc (09022015). Collection method: clinical testing. Allele origin: germline.

GeneDx
Classification: Likely benign. Last evaluated: 2021-06-18. Review status: criteria provided, single submitter. Criteria: GeneDx Variant Classification Process June 2021. Collection method: clinical testing. Allele origin: germline. Affected: yes.

PreventionGenetics, part of Exact Sciences
Classification: Likely benign for CLIC5-related condition. Last evaluated: 2023-12-13. Review status: no assertion criteria provided. Collection method: clinical testing. Allele origin: germline. Not counted in ClinVar's aggregate classification.
Comment: This variant is classified as likely benign based on ACMG/AMP sequence variant interpretation guidelines (Richards et al. 2015 PMID: 25741868, with internal and published modifications).